The following is an entry in ClinVar:

ClinVar aggregate classification (germline): Uncertain significance (1 of 4 stars; one submission).

Submission:

Dasa
Classification: Uncertain significance. Last evaluated: 2025-01-03. Review status: criteria provided, single submitter. Criteria: DASA Assertion Criteria. Collection method: clinical testing. Allele origin: germline.
Comment: NM_001273.5(CHD4):c.4828G>A (p.Glu1610Lys) is a missense variant that results in the substitution of glutamic acid with lysine. This variant is absent from population databases. Computational prediction algorithms are consistent with a benign effect. The currently available literature and clinical evidence are not sufficient to establish a definitive association between this variant and the reported condition. Therefore, this variant is classified as a variant of uncertain significance.

NM_001273.5(CHD4):c.4828G>A (p.Glu1610Lys)

Genes: CHD4 (chromodomain helicase DNA binding protein 4; minus strand), CHD4-AS1 (CHD4 antisense RNA 1; plus strand). Cytogenetic location: 12p13.31.
Variant type: single nucleotide variant.
Coding change: c.4828G>A on transcript NM_001273.5 (MANE Select); coding-DNA position 4828, G replaced by A.
Protein change: p.Glu1610Lys; replaces glutamic acid 1610 with lysine.
Molecular consequence: missense variant.
Genome position (GRCh38, 1-based): chr12:6,581,125, C>T on the plus strand (G>A on the coding strand, the complement: CHD4 is on the minus strand). VCF-style: chr12-6581125-C-T. GRCh37 (hg19) VCF-style: chr12-6690291-C-T.
Other names: c.4807G>A, p.Glu1603Lys (NM_001297553.2); c.4789G>A, p.Glu1597Lys (NM_001363606.2); short protein forms E1597K, E1603K, E1610K.
Identifiers: ClinVar variation 4882743 (VCV004882743.2).